The following is an entry in ClinVar:

NM_145038.5(DRC1):c.2066_2067dup (p.Val690fs)

Gene: DRC1 (dynein regulatory complex subunit 1; plus strand). Cytogenetic location: 2p23.3.
Variant type: Duplication.
Coding change: c.2066_2067dup on transcript NM_145038.5 (MANE Select); coding-DNA positions 2066 to 2067, 2 bases duplicated (TT; older notation c.2066_2067dupTT).
Protein change: p.Val690fs; shifts the reading frame from valine 690.
Molecular consequence: frameshift variant.
Genome position (GRCh38, 1-based): chr2:26,455,133-26,455,134, TT duplicated. VCF-style (leftmost placement, unchanged base first): chr2-26455132-C-CTT. GRCh37 (hg19) VCF-style: chr2-26678000-C-CTT.
Other names: short protein forms V690fs.
Identifiers: ClinVar variation 3907661 (VCV003907661.2).

ClinVar aggregate classification (germline): Pathogenic. Review status: criteria provided, multiple submitters, no conflicts (2 of 4 stars). 2 submissions from 2 submitters: Pathogenic (2). Last evaluated 2025-12-14.

Conditions:
Primary ciliary dyskinesia. Also called: Ciliary dyskinesia. Identifiers: Orphanet 244, MedGen C0008780, MONDO:0016575, HP:0012265.
Spermatogenic failure 80 (SPGF80). Identifiers: MedGen C5774301, MONDO:0859364, OMIM 620222.

Submissions (2):

Labcorp Genetics (formerly Invitae), Labcorp
Classification: Pathogenic for Primary ciliary dyskinesia. Last evaluated: 2025-12-14. Review status: criteria provided, single submitter. Criteria: Invitae Variant Classification Sherloc (09022015). Collection method: clinical testing. Allele origin: germline.
Comment: This sequence change creates a premature translational stop signal (p.Val690Leufs*3) in the DRC1 gene. It is expected to result in an absent or disrupted protein product. Loss-of-function variants in DRC1 are known to be pathogenic (PMID: 23354437, 31960620). This variant is present in population databases (no rsID available, gnomAD no frequency). This variant has not been reported in the literature in individuals affected with DRC1-related conditions. ClinVar contains an entry for this variant (Variation ID: 3907661). For these reasons, this variant has been classified as Pathogenic.

MVZ Medizinische Genetik Mainz
Classification: Pathogenic for Spermatogenic failure 80. Last evaluated: 2025-05-06. Review status: criteria provided, single submitter. Criteria: UK Practice Guidelines For Variant Classification V4 01 2020. Collection method: clinical testing. Allele origin: germline. Inheritance: Autosomal recessive inheritance. Affected: yes. Observed: 1 variant allele.
Comment: ACMG Criteria: PVS1,PM2_SUP,PM3_SUP

Literature cited by the submitters: PubMed 23354437 (cited by Labcorp Genetics (formerly Invitae), Labcorp); PubMed 31960620 (cited by Labcorp Genetics (formerly Invitae), Labcorp).